The following is an entry in ClinVar:

ClinVar aggregate classification (germline): Conflicting classifications of pathogenicity. Review status: criteria provided, conflicting classifications (1 of 4 stars). 3 submissions from 3 submitters: Uncertain significance (1); Likely benign (1). 1 of the submissions does not count toward it. Last evaluated 2022-06-27.

Conditions:
Bethlem myopathy 1A. Also called: Bethlem myopathy 1; MYOPATHY, BENIGN CONGENITAL, WITH CONTRACTURES; Bethlem Muscular Dystrophy. Identifiers: Orphanet 610, MedGen CN029274, MONDO:0024530, OMIM 158810.
COL6A2-related disorder.

Allele frequency attached by ClinVar (database versions not stated): TOPMed 0.00009; ESP Exome Variant Server 0.00016; gnomAD exomes below 0.00001 and 0.00003; ExAC 0.00003; gnomAD 0.00009.

Submissions (3):

Labcorp Genetics (formerly Invitae), Labcorp
Classification: Likely benign for Bethlem myopathy 1A. Last evaluated: 2022-06-27. Review status: criteria provided, single submitter. Criteria: Invitae Variant Classification Sherloc (09022015). Collection method: clinical testing. Allele origin: germline.

Eurofins Ntd Llc (ga)
Classification: Uncertain significance. Last evaluated: 2018-02-13. Review status: criteria provided, single submitter. Criteria: EGL ClinVar v180209 classification definitions. Collection method: clinical testing. Allele origin: germline. Observed: 1 variant allele, 1 heterozygote.

PreventionGenetics, part of Exact Sciences
Classification: Likely benign for COL6A2-related condition. Last evaluated: 2024-06-12. Review status: no assertion criteria provided. Collection method: clinical testing. Allele origin: germline. Not counted in ClinVar's aggregate classification.
Comment: This variant is classified as likely benign based on ACMG/AMP sequence variant interpretation guidelines (Richards et al. 2015 PMID: 25741868, with internal and published modifications).

NM_001849.4(COL6A2):c.1458+9_1458+14del

Gene: COL6A2 (collagen type VI alpha 2 chain; plus strand). Cytogenetic location: 21q22.3.
Variant type: Deletion.
Coding change: c.1458+9_1458+14del on transcript NM_001849.4 (MANE Select); bases 9 to 14 of the intron after coding-DNA position 1458, 6 bases deleted (CAGTGC; older notation c.1458+9_1458+14delCAGTGC).
Molecular consequence: intron variant.
Genome position (GRCh38, 1-based): chr21:46,121,132-46,121,137, CAGTGC deleted. VCF-style (leftmost placement, unchanged base first): chr21-46121131-TCAGTGC-T. GRCh37 (hg19) VCF-style: chr21-47541045-TCAGTGC-T.
Other names: c.1458+9_1458+14delCAGTGC (NM_001849.3); c.1458+9_1458+14del (NM_058175.3, NM_058174.3); c.1458+9_1458+14del6 (NM_001849.3).
Identifiers: ClinVar variation 476451 (VCV000476451.20), dbSNP rs762583937, ClinGen allele CA10071881.